The following is an entry in ClinVar:

NM_007129.5(ZIC2):c.1240-10T>G

Gene: ZIC2 (Zic family zinc finger 2; plus strand). Cytogenetic location: 13q32.3.
Variant type: single nucleotide variant.
Coding change: c.1240-10T>G on transcript NM_007129.5 (MANE Select); 10 bases into the intron before coding-DNA position 1240, T replaced by G.
Molecular consequence: intron variant.
Genome position (GRCh38, 1-based): chr13:99,985,313, T>G. VCF-style: chr13-99985313-T-G. GRCh37 (hg19) VCF-style: chr13-100637567-T-G.
Identifiers: ClinVar variation 783240 (VCV000783240.11), dbSNP rs567951541, ClinGen allele CA7032944.

ClinVar aggregate classification (germline): Benign. Review status: criteria provided, single submitter (1 of 4 stars). 2 submissions from 2 submitters: Benign (1). 1 of the submissions does not count toward it. Last evaluated 2025-09-10.

Conditions:
ZIC2-related disorder. Also called: ZIC2-related condition.
Holoprosencephaly 5 (HPE5). Identifiers: Orphanet 2162, MedGen C1864827, MONDO:0012322, OMIM 609637.

Allele frequency attached by ClinVar (database versions not stated): gnomAD exomes 0.00006; ExAC 0.00009; 1000 Genomes Project 30x 0.00016; 1000 Genomes Project 0.00020; gnomAD 0.00023 and 0.00025; TOPMed 0.00025.
gnomAD v4.1: 60 of 1,598,580 alleles (0.0038%); highest among the groups gnomAD compares: African/African-American, 0.077%; no homozygotes.

Submissions (3):

Labcorp Genetics (formerly Invitae), Labcorp
Classification: Benign for Holoprosencephaly 5. Last evaluated: 2025-09-10. Review status: criteria provided, single submitter. Criteria: Invitae Variant Classification Sherloc (09022015). Collection method: clinical testing. Allele origin: germline.

PreventionGenetics, part of Exact Sciences
Classification: Likely benign for ZIC2-related condition. Last evaluated: 2019-08-29. Review status: no assertion criteria provided. Collection method: clinical testing. Allele origin: germline. Not counted in ClinVar's aggregate classification.
Comment: This variant is classified as likely benign based on ACMG/AMP sequence variant interpretation guidelines (Richards et al. 2015 PMID: 25741868, with internal and published modifications).

Dr. Peter K. Rogan Lab, Western University
No classification provided (evidence only). Condition: Malignant tumor of esophagus. Review status: no classification provided. Collection method: in vitro. Allele origin: not applicable. Functional consequence: retained intron. Not counted in ClinVar's aggregate classification.